The following is an entry in ClinVar:

NM_002470.4(MYH3):c.5230G>A (p.Asp1744Asn)

Gene: MYH3 (myosin heavy chain 3; minus strand). Cytogenetic location: 17p13.1.
Variant type: single nucleotide variant.
Coding change: c.5230G>A on transcript NM_002470.4 (MANE Select); coding-DNA position 5230, G replaced by A.
Protein change: p.Asp1744Asn; replaces aspartic acid 1744 with asparagine.
Molecular consequence: missense variant.
Genome position (GRCh38, 1-based): chr17:10,631,667, C>T on the plus strand (G>A on the coding strand, the complement: MYH3 is on the minus strand). VCF-style: chr17-10631667-C-T. GRCh37 (hg19) VCF-style: chr17-10534984-C-T.
Other names: short protein forms D1744N.
Identifiers: ClinVar variation 2055904 (VCV002055904.4), dbSNP rs992371150, ClinGen allele CA398134328.

ClinVar aggregate classification (germline): Uncertain significance (1 of 4 stars; one submission).

Allele frequency attached by ClinVar (database versions not stated): TOPMed below 0.00001.
gnomAD v4.1: 11 of 1,614,166 alleles (0.00068%); highest among the groups gnomAD compares: Non-Finnish European, 0.00085%; no homozygotes.

Submission:

Labcorp Genetics (formerly Invitae), Labcorp
Classification: Uncertain significance. Last evaluated: 2025-03-18. Review status: criteria provided, single submitter. Criteria: Invitae Variant Classification Sherloc (09022015). Collection method: clinical testing. Allele origin: germline.
Comment: This sequence change replaces aspartic acid, which is acidic and polar, with asparagine, which is neutral and polar, at codon 1744 of the MYH3 protein (p.Asp1744Asn). This variant is present in population databases (no rsID available, gnomAD 0.0009%). This variant has not been reported in the literature in individuals affected with MYH3-related conditions. ClinVar contains an entry for this variant (Variation ID: 2055904). Invitae Evidence Modeling of protein sequence and biophysical properties (such as structural, functional, and spatial information, amino acid conservation, physicochemical variation, residue mobility, and thermodynamic stability) indicates that this missense variant is not expected to disrupt MYH3 protein function with a negative predictive value of 95%. In summary, the available evidence is currently insufficient to determine the role of this variant in disease. Therefore, it has been classified as a Variant of Uncertain Significance.